The following is an entry in ClinVar:

ClinVar aggregate classification (germline): Likely benign (1 of 4 stars; one submission).

gnomAD v4.1: 378 of 1,611,520 alleles (0.023%); highest among the groups gnomAD compares: Middle Eastern, 0.045%; 1 homozygote.

Submission:

CeGaT Center for Human Genetics Tuebingen
Classification: Likely benign. Last evaluated: 2025-05-01. Review status: criteria provided, single submitter. Criteria: CeGaT Center For Human Genetics Tuebingen Variant Classification Criteria Version 2. Collection method: clinical testing. Allele origin: germline. Affected: yes. Observed: 1 variant allele.
Comment: MUC5B: BP4, BP7

NM_002458.3(MUC5B):c.6882G>A (p.Ser2294=)

Genes: MUC5B (mucin 5B, oligomeric mucus/gel-forming; plus strand), MUC5B-AS1 (MUC5B antisense RNA 1; minus strand). Cytogenetic location: 11p15.5.
Variant type: single nucleotide variant.
Coding change: c.6882G>A on transcript NM_002458.3 (MANE Select); coding-DNA position 6882, G replaced by A.
Protein change: p.Ser2294=; no amino-acid change (serine 2294 retained).
Molecular consequence: synonymous variant.
Genome position (GRCh38, 1-based): chr11:1,243,762, G>A. VCF-style: chr11-1243762-G-A. GRCh37 (hg19) VCF-style: chr11-1264992-G-A.
Identifiers: ClinVar variation 3905124 (VCV003905124.10).